The following is an entry in ClinVar:

ClinVar aggregate classification (germline): Likely benign (1 of 4 stars; one submission).

Conditions:
BAZ2B-related disorder. Also called: BAZ2B-related condition.

Submission:

PreventionGenetics, part of Exact Sciences
Classification: Likely benign for BAZ2B-related condition. Last evaluated: 2025-03-27. Review status: criteria provided, single submitter. Criteria: ACMG Guidelines, 2015. Collection method: clinical testing. Allele origin: germline.
Comment: This variant is classified as likely benign based on ACMG/AMP sequence variant interpretation guidelines (Richards et al. 2015 PMID: 25741868, with internal and published modifications).

NM_013450.4(BAZ2B):c.2256-6G>C

Gene: BAZ2B (bromodomain adjacent to zinc finger domain 2B; minus strand). Cytogenetic location: 2q24.2.
Variant type: single nucleotide variant.
Coding change: c.2256-6G>C on transcript NM_013450.4 (MANE Select); 6 bases into the intron before coding-DNA position 2256, G replaced by C.
Molecular consequence: intron variant.
Genome position (GRCh38, 1-based): chr2:159,428,425, C>G on the plus strand (G>C on the coding strand, the complement: BAZ2B is on the minus strand). VCF-style: chr2-159428425-C-G. GRCh37 (hg19) VCF-style: chr2-160284936-C-G.
Other names: c.2250-6G>C (NM_001289975.1); c.2067-6G>C (NM_001329857.2); c.2256-6G>C (NM_001329858.2).
Identifiers: ClinVar variation 4998747 (VCV004998747.1).